The following is an entry in ClinVar:

NM_005120.3(MED12):c.713A>G (p.Lys238Arg)

Gene: MED12 (mediator complex subunit 12; plus strand). Cytogenetic location: Xq13.1.
Variant type: single nucleotide variant.
Coding change: c.713A>G on transcript NM_005120.3 (MANE Select); coding-DNA position 713, A replaced by G.
Protein change: p.Lys238Arg; replaces lysine 238 with arginine.
Molecular consequence: missense variant.
Genome position (GRCh38, 1-based): chrX:71,121,130, A>G. VCF-style: chrX-71121130-A-G. GRCh37 (hg19) VCF-style: chrX-70340980-A-G.
Other names: short protein forms K238R.
Identifiers: ClinVar variation 4105996 (VCV004105996.1).

ClinVar aggregate classification (germline): Uncertain significance (1 of 4 stars; one submission).

Conditions:
Familial thoracic aortic aneurysm and aortic dissection (TAAD). Also called: Thoracic aortic aneurysms and dissections. Identifiers: Orphanet 91387, MedGen C4707243, MONDO:0019625.

Submission:

Ambry Genetics
Classification: Uncertain significance for Familial thoracic aortic aneurysm and aortic dissection. Last evaluated: 2025-08-28. Review status: criteria provided, single submitter. Criteria: Ambry Variant Classification Scheme 2023. Collection method: clinical testing. Allele origin: germline.
Comment: The p.K238R variant (also known as c.713A>G), located in coding exon 5 of the MED12 gene, results from an A to G substitution at nucleotide position 713. The lysine at codon 238 is replaced by arginine, an amino acid with highly similar properties. This amino acid position is conserved. In addition, the in silico prediction for this alteration is inconclusive. Based on the available evidence, the clinical significance of this variant remains unclear.